The following is an entry in ClinVar:

NM_000784.4(CYP27A1):c.1087G>T (p.Glu363Ter)

Gene: CYP27A1 (cytochrome P450 family 27 subfamily A member 1; plus strand). Cytogenetic location: 2q35.
Variant type: single nucleotide variant.
Coding change: c.1087G>T on transcript NM_000784.4 (MANE Select); coding-DNA position 1087, G replaced by T.
Protein change: p.Glu363Ter; replaces glutamic acid 363 with a stop codon.
Molecular consequence: nonsense.
Genome position (GRCh38, 1-based): chr2:218,814,090, G>T. VCF-style: chr2-218814090-G-T. GRCh37 (hg19) VCF-style: chr2-219678813-G-T.
Other names: short protein forms E363*.
Identifiers: ClinVar variation 1385329 (VCV001385329.6), dbSNP rs72551321, ClinGen allele CA65834619.

ClinVar aggregate classification (germline): Pathogenic (1 of 4 stars; one submission).

Conditions:
Cholestanol storage disease (CTX). Also called: CEREBRAL CHOLESTERINOSIS; Cerebrotendinous Xanthomatosis; CTX: Cerebrotendinous xanthomatosis. Identifiers: Orphanet 909, MedGen C0238052, MONDO:0008948, OMIM 213700.

Submission:

Labcorp Genetics (formerly Invitae), Labcorp
Classification: Pathogenic for Cholestanol storage disease. Last evaluated: 2023-01-13. Review status: criteria provided, single submitter. Criteria: Invitae Variant Classification Sherloc (09022015). Collection method: clinical testing. Allele origin: germline.
Comment: This sequence change creates a premature translational stop signal (p.Glu363*) in the CYP27A1 gene. It is expected to result in an absent or disrupted protein product. Loss-of-function variants in CYP27A1 are known to be pathogenic (PMID: 9392430, 10775536, 26937392). This variant is not present in population databases (gnomAD no frequency). This variant has not been reported in the literature in individuals affected with CYP27A1-related conditions. ClinVar contains an entry for this variant (Variation ID: 1385329). For these reasons, this variant has been classified as Pathogenic.

Literature cited by the submitters: PubMed 9392430; PubMed 10775536; PubMed 26937392.